The following is an entry in ClinVar:

ClinVar aggregate classification (germline): Likely pathogenic (1 of 4 stars; one submission).

Conditions:
KMT2E-related disorder. Also called: KMT2E-related condition.

Submission:

PreventionGenetics, part of Exact Sciences
Classification: Likely pathogenic for KMT2E-related condition. Last evaluated: 2025-04-23. Review status: criteria provided, single submitter. Criteria: ACMG Guidelines, 2015. Collection method: clinical testing. Allele origin: germline.
Comment: The KMT2E c.2904+1G>T variant is predicted to disrupt the GT donor site and interfere with normal splicing. To our knowledge, this variant has not been reported in the literature or in a large population database (gnomAD), indicating this variant is rare. Variants that disrupt the consensus splice donor site in KMT2E are expected to be pathogenic. This variant is interpreted as likely pathogenic.

NM_182931.3(KMT2E):c.2904+1G>T

Gene: KMT2E (lysine methyltransferase 2E (inactive); plus strand). Cytogenetic location: 7q22.3.
Variant type: single nucleotide variant.
Coding change: c.2904+1G>T on transcript NM_182931.3 (MANE Select); the canonical splice donor site of the intron after coding-DNA position 2904, G replaced by T.
Molecular consequence: splice donor variant.
Genome position (GRCh38, 1-based): chr7:105,107,223, G>T. VCF-style: chr7-105107223-G-T. GRCh37 (hg19) VCF-style: chr7-104747670-G-T.
Other names: c.2904+1G>T (NM_001410908.1, NM_018682.4).
Identifiers: ClinVar variation 4999314 (VCV004999314.1).